The following is an entry in ClinVar:

ClinVar aggregate classification (germline): Uncertain significance. Review status: criteria provided, multiple submitters, no conflicts (2 of 4 stars). 2 submissions from 2 submitters: Uncertain significance (2). Last evaluated 2025-01-23.

Conditions:
Hereditary cancer-predisposing syndrome. Also called: Tumor predisposition; Hereditary Cancer Syndrome; Hereditary neoplastic syndrome; Neoplastic Syndromes, Hereditary. Identifiers: Orphanet 140162, MedGen C0027672, MeSH D009386, MONDO:0015356.
Gastrointestinal stromal tumor. Also called: Gastrointestinal stroma tumor; Gastrointestinal stromal tumor, somatic. Identifiers: Orphanet 44890, MedGen C0238198, MeSH D046152, MONDO:0011719, OMIM 606764, HP:0100723.

Submissions (2):

Labcorp Genetics (formerly Invitae), Labcorp
Classification: Uncertain significance for Gastrointestinal stromal tumor. Last evaluated: 2025-01-23. Review status: criteria provided, single submitter. Criteria: Invitae Variant Classification Sherloc (09022015). Collection method: clinical testing. Allele origin: germline.
Comment: This sequence change replaces leucine, which is neutral and non-polar, with valine, which is neutral and non-polar, at codon 645 of the PDGFRA protein (p.Leu645Val). This variant is not present in population databases (gnomAD no frequency). This variant has not been reported in the literature in individuals affected with PDGFRA-related conditions. ClinVar contains an entry for this variant (Variation ID: 1998616). Invitae Evidence Modeling of protein sequence and biophysical properties (such as structural, functional, and spatial information, amino acid conservation, physicochemical variation, residue mobility, and thermodynamic stability) indicates that this missense variant is not expected to disrupt PDGFRA protein function with a negative predictive value of 80%. In summary, the available evidence is currently insufficient to determine the role of this variant in disease. Therefore, it has been classified as a Variant of Uncertain Significance.

Ambry Genetics
Classification: Uncertain significance for Hereditary cancer-predisposing syndrome. Last evaluated: 2024-11-12. Review status: criteria provided, single submitter. Criteria: Ambry Variant Classification Scheme 2023. Collection method: clinical testing. Allele origin: germline.
Comment: The p.L645V variant (also known as c.1933C>G), located in coding exon 13 of the PDGFRA gene, results from a C to G substitution at nucleotide position 1933. The leucine at codon 645 is replaced by valine, an amino acid with highly similar properties. This amino acid position is conserved. In addition, this alteration is predicted to be deleterious by in silico analysis. Based on the available evidence, the clinical significance of this variant remains unclear.

NM_006206.6(PDGFRA):c.1933C>G (p.Leu645Val)

Gene: PDGFRA (platelet derived growth factor receptor alpha; plus strand). Cytogenetic location: 4q12.
Variant type: single nucleotide variant.
Coding change: c.1933C>G on transcript NM_006206.6 (MANE Select); coding-DNA position 1933, C replaced by G.
Protein change: p.Leu645Val; replaces leucine 645 with valine.
Molecular consequence: missense variant.
Genome position (GRCh38, 1-based): chr4:54,277,937, C>G. VCF-style: chr4-54277937-C-G. GRCh37 (hg19) VCF-style: chr4-55144104-C-G.
Other names: c.1933C>G, p.Leu645Val (NM_001347827.2, NM_001347829.2); c.2008C>G, p.Leu670Val (NM_001347828.2); c.1972C>G, p.Leu658Val (NM_001347830.2); short protein forms L645V, L658V, L670V.
Identifiers: ClinVar variation 1998616 (VCV001998616.5), dbSNP rs2110311300, ClinGen allele CA356893656.